The following is an entry in ClinVar:

NM_000038.6(APC):c.1481G>C (p.Ser494Thr)

Gene: APC (APC regulator of Wnt signaling pathway; plus strand). Cytogenetic location: 5q22.2.
Variant type: single nucleotide variant.
Coding change: c.1481G>C on transcript NM_000038.6 (MANE Select); coding-DNA position 1481, G replaced by C.
Protein change: p.Ser494Thr; replaces serine 494 with threonine.
Molecular consequence: missense variant.
Genome position (GRCh38, 1-based): chr5:112,827,180, G>C. VCF-style: chr5-112827180-G-C. GRCh37 (hg19) VCF-style: chr5-112162877-G-C.
Other names: c.1481G>C, p.Ser494Thr (NM_001127510.3, NM_001354895.2); c.1427G>C, p.Ser476Thr (NM_001127511.3); c.1535G>C, p.Ser512Thr (NM_001354896.2); c.1511G>C, p.Ser504Thr (NM_001354897.2); c.1406G>C, p.Ser469Thr (NM_001354898.2); c.1397G>C, p.Ser466Thr (NM_001354899.2); c.1358G>C, p.Ser453Thr (NM_001354900.2); c.1304G>C, p.Ser435Thr (NM_001354901.2); and 5 more; short protein forms S476T, S494T, S211T, S466T, S469T, S334T, S393T, S403T.
Identifiers: ClinVar variation 583271 (VCV000583271.10), dbSNP rs1554081691, ClinGen allele CA16024551.

ClinVar aggregate classification (germline): Uncertain significance (1 of 4 stars; one submission).

Conditions:
Familial adenomatous polyposis 1 (FAP1). Also called: FAMILIAL ADENOMATOUS POLYPOSIS 1, ATTENUATED; POLYPOSIS, ADENOMATOUS INTESTINAL. Identifiers: MedGen C2713442, MONDO:0021056, OMIM 175100. Disease mechanism: loss of function.

gnomAD v4.1: 1 of 1,613,856 alleles (0.000062%); highest among the groups gnomAD compares: Non-Finnish European, 0.000085%; no homozygotes.

Submission:

Labcorp Genetics (formerly Invitae), Labcorp
Classification: Uncertain significance for Familial adenomatous polyposis 1. Last evaluated: 2022-07-19. Review status: criteria provided, single submitter. Criteria: Invitae Variant Classification Sherloc (09022015). Collection method: clinical testing. Allele origin: germline.
Comment: This variant has not been reported in the literature in individuals affected with APC-related conditions. This variant is not present in population databases (gnomAD no frequency). This sequence change replaces serine, which is neutral and polar, with threonine, which is neutral and polar, at codon 494 of the APC protein (p.Ser494Thr). ClinVar contains an entry for this variant (Variation ID: 583271). In summary, the available evidence is currently insufficient to determine the role of this variant in disease. Therefore, it has been classified as a Variant of Uncertain Significance. Algorithms developed to predict the effect of missense changes on protein structure and function are either unavailable or do not agree on the potential impact of this missense change (SIFT: "Deleterious"; PolyPhen-2: "Benign"; Align-GVGD: "Class C55").